The following is an entry in ClinVar:

NM_000256.3(MYBPC3):c.3813A>G (p.Arg1271=)

Gene: MYBPC3 (myosin binding protein C3; minus strand). Cytogenetic location: 11p11.2.
Variant type: single nucleotide variant.
Coding change: c.3813A>G on transcript NM_000256.3 (MANE Select); coding-DNA position 3813, A replaced by G.
Protein change: p.Arg1271=; no amino-acid change (arginine 1271 retained).
Molecular consequence: synonymous variant.
Genome position (GRCh38, 1-based): chr11:47,332,073, T>C on the plus strand (A>G on the coding strand, the complement: MYBPC3 is on the minus strand). VCF-style: chr11-47332073-T-C. GRCh37 (hg19) VCF-style: chr11-47353624-T-C.
Identifiers: ClinVar variation 3642893 (VCV003642893.2).

ClinVar aggregate classification (germline): Uncertain significance (1 of 4 stars; one submission).

Conditions:
Hypertrophic cardiomyopathy. Also called: HYPERTROPHIC MYOCARDIOPATHY. Identifiers: Orphanet 217569, MedGen C0007194, MeSH D002312, MONDO:0005045, HP:0001639.

gnomAD v4.1: 1 of 1,608,014 alleles (0.000062%); highest among the groups gnomAD compares: Non-Finnish European, 0.000085%; no homozygotes.

Submission:

Labcorp Genetics (formerly Invitae), Labcorp
Classification: Uncertain significance for Hypertrophic cardiomyopathy. Last evaluated: 2024-02-23. Review status: criteria provided, single submitter. Criteria: Invitae Variant Classification Sherloc (09022015). Collection method: clinical testing. Allele origin: germline.
Comment: This sequence change affects codon 1271 of the MYBPC3 mRNA. It is a 'silent' change, meaning that it does not change the encoded amino acid sequence of the MYBPC3 protein. It affects a nucleotide within the consensus splice site. This variant is present in population databases (rs776927697, gnomAD 0.0009%). This variant has not been reported in the literature in individuals affected with MYBPC3-related conditions. Algorithms developed to predict the effect of sequence changes on RNA splicing suggest that this variant may disrupt the consensus splice site. In summary, the available evidence is currently insufficient to determine the role of this variant in disease. Therefore, it has been classified as a Variant of Uncertain Significance.